The following is an entry in ClinVar:

ClinVar aggregate classification (germline): Conflicting classifications of pathogenicity. Review status: criteria provided, conflicting classifications (1 of 4 stars). 5 submissions from 5 submitters: Uncertain significance (1); Likely benign (4). Last evaluated 2024-07-19.

Conditions:
Neurodevelopmental disorder with hypotonia, seizures, and absent language (NDHSAL). Identifiers: MedGen C4310643, MONDO:0014995, OMIM 617268.
Inborn genetic diseases. Identifiers: MedGen C0950123, MeSH D030342.

Allele frequency attached by ClinVar (database versions not stated): ExAC 0.00016; TOPMed 0.00019; gnomAD 0.00021; ESP Exome Variant Server 0.00023.
gnomAD v4.1: 460 of 1,613,342 alleles (0.029%); highest among the groups gnomAD compares: Middle Eastern, 0.12%; no homozygotes.

Submissions (5):

Blueprint Genetics
Classification: Likely benign. Last evaluated: 2024-07-19. Review status: criteria provided, single submitter. Criteria: ACMG Guidelines, 2015. Collection method: clinical testing. Allele origin: germline.

CeGaT Center for Human Genetics Tuebingen
Classification: Likely benign. Last evaluated: 2023-01-01. Review status: criteria provided, single submitter. Criteria: CeGaT Center For Human Genetics Tuebingen Variant Classification Criteria Version 2. Collection method: clinical testing. Allele origin: germline. Affected: yes. Observed: 2 variant alleles.
Comment: HECW2: PP2, BS1

Ambry Genetics
Classification: Likely benign for Inborn genetic diseases. Last evaluated: 2022-09-20. Review status: criteria provided, single submitter. Criteria: Ambry Variant Classification Scheme 2023. Collection method: clinical testing. Allele origin: germline.

Department of Pathology and Laboratory Medicine, Sinai Health System
Classification: Likely benign for Neurodevelopmental disorder with hypotonia, seizures, and absent language. Last evaluated: 2022-03-16. Review status: criteria provided, single submitter. Criteria: ACMG Guidelines, 2015. Collection method: research. Allele origin: germline.

Revvity Omics, Revvity
Classification: Uncertain significance for Neurodevelopmental disorder with hypotonia, seizures, and absent language. Last evaluated: 2021-03-24. Review status: criteria provided, single submitter. Criteria: ACMG Guidelines, 2015. Collection method: clinical testing. Allele origin: germline.

NM_001348768.2(HECW2):c.872G>A (p.Arg291Gln)

Gene: HECW2 (HECT, C2 and WW domain containing E3 ubiquitin protein ligase 2; minus strand). Cytogenetic location: 2q32.3.
Variant type: single nucleotide variant.
Coding change: c.872G>A on transcript NM_001348768.2 (MANE Select); coding-DNA position 872, G replaced by A.
Protein change: p.Arg291Gln; replaces arginine 291 with glutamine.
Molecular consequence: missense variant. On other transcripts: 5 prime UTR variant (1).
Genome position (GRCh38, 1-based): chr2:196,322,490, C>T on the plus strand (G>A on the coding strand, the complement: HECW2 is on the minus strand). VCF-style: chr2-196322490-C-T. GRCh37 (hg19) VCF-style: chr2-197187214-C-T.
Other names: c.-96G>A (NM_001304840.3); c.872G>A, p.Arg291Gln (NM_020760.4); short protein forms R291Q.
Identifiers: ClinVar variation 2348946 (VCV002348946.31), dbSNP rs369637193, ClinGen allele CA2038452.
Genomic context (GRCh38, chr2:196,322,490, plus strand): 5'-CTATATGAACTAATCTCAACAAGATCCCCAAAGGTAAGGGCTGATTACCCGATGGCTTGT[C>T]GCTCCAGCAGCCTCTGGACTGGAATGGTTAGTTTCCCCAGAAAACGCTTGATGATGGGAC-3'
Protein context (NP_001335697.1, residues 281-301): LTIPVQRLLE[Arg291Gln]QAIGDQMLSY